The following is an entry in ClinVar:

NM_001367624.2(ZNF469):c.11228A>T (p.Lys3743Met)

Gene: ZNF469 (zinc finger protein 469; plus strand). Cytogenetic location: 16q24.2.
Variant type: single nucleotide variant.
Coding change: c.11228A>T on transcript NM_001367624.2 (MANE Select); coding-DNA position 11228, A replaced by T.
Protein change: p.Lys3743Met; replaces lysine 3743 with methionine.
Molecular consequence: missense variant.
Genome position (GRCh38, 1-based): chr16:88,438,698, A>T. VCF-style: chr16-88438698-A-T. GRCh37 (hg19) VCF-style: chr16-88505106-A-T.
Other names: short protein forms K3743M.
Identifiers: ClinVar variation 3896693 (VCV003896693.2).

ClinVar aggregate classification (germline): Uncertain significance (1 of 4 stars; one submission).

Submission:

Women's Health and Genetics/Laboratory Corporation of America, LabCorp
Classification: Uncertain significance. Last evaluated: 2025-04-22. Review status: criteria provided, single submitter. Criteria: LabCorp Variant Classification Summary - May 2015. Collection method: clinical testing. Allele origin: germline.
Comment: Variant summary: ZNF469 c.11228A>T (p.Lys3743Met) results in a non-conservative amino acid change in the encoded protein sequence. Two of four in-silico tools predict a benign effect of the variant on protein function. The variant was absent in 148362 control chromosomes. The available data on variant occurrences in the general population are insufficient to allow any conclusion about variant significance. To our knowledge, no occurrence of c.11228A>T in individuals affected with Brittle cornea syndrome 1 and no experimental evidence demonstrating its impact on protein function have been reported. No submitters have cited clinical-significance assessments for this variant to ClinVar. Based on the evidence outlined above, the variant was classified as uncertain significance.